The following is an entry in ClinVar:

NM_001243177.4(ALDOA):c.375C>G (p.Asn125Lys)

Genes: ALDOA (aldolase, fructose-bisphosphate A; plus strand), LOC112694756 (uncharaterized LOC112694756; plus strand). Cytogenetic location: 16p11.2.
Variant type: single nucleotide variant.
Coding change: c.375C>G on transcript NM_001243177.4 (MANE Select); coding-DNA position 375, C replaced by G.
Protein change: p.Asn125Lys; replaces asparagine 125 with lysine.
Molecular consequence: missense variant. On other transcripts: 3 prime UTR variant (3).
Genome position (GRCh38, 1-based): chr16:30,067,550, C>G. VCF-style: chr16-30067550-C-G. GRCh37 (hg19) VCF-style: chr16-30078871-C-G.
Other names: c.213C>G (NM_184041.4); c.*722C>G (NM_001365304.2, NM_001365305.2, NM_001365307.2); c.213C>G, p.Asn71Lys (NM_001127617.2, NM_184041.5, NM_184043.2); short protein forms N125K, N71K.
Identifiers: ClinVar variation 1022859 (VCV001022859.7), dbSNP rs146976414, ClinGen allele CA8000903.

ClinVar aggregate classification (germline): Uncertain significance. Review status: criteria provided, multiple submitters, no conflicts (2 of 4 stars). 2 submissions from 2 submitters: Uncertain significance (2). Last evaluated 2024-05-07.

Conditions:
HNSHA due to aldolase A deficiency (GSD12). Also called: GSD XII; RED CELL ALDOLASE DEFICIENCY; GLYCOGEN STORAGE DISEASE XII; Glycogen storage disease due to aldolase A deficiency. Identifiers: Orphanet 57, MedGen C0272066, MONDO:0012747, OMIM 611881.

Allele frequency attached by ClinVar (database versions not stated): gnomAD 0.00004 and 0.00005; gnomAD exomes 0.00004; ExAC 0.00005; TOPMed 0.00007; ESP Exome Variant Server 0.00015.
gnomAD v4.1: 178 of 1,613,822 alleles (0.011%); highest among the groups gnomAD compares: Non-Finnish European, 0.014%; no homozygotes.

Submissions (2):

Revvity Omics, Revvity
Classification: Uncertain significance for HNSHA due to aldolase A deficiency. Last evaluated: 2024-05-07. Review status: criteria provided, single submitter. Criteria: ACMG Guidelines, 2015. Collection method: clinical testing. Allele origin: germline.

Labcorp Genetics (formerly Invitae), Labcorp
Classification: Uncertain significance for HNSHA due to aldolase A deficiency. Last evaluated: 2021-09-01. Review status: criteria provided, single submitter. Criteria: Invitae Variant Classification Sherloc (09022015). Collection method: clinical testing. Allele origin: germline.
Comment: This sequence change replaces asparagine with lysine at codon 71 of the ALDOA protein (p.Asn71Lys). The asparagine residue is highly conserved and there is a moderate physicochemical difference between asparagine and lysine. This variant is present in population databases (rs146976414, ExAC 0.02%). This variant has not been reported in the literature in individuals affected with ALDOA-related conditions. Algorithms developed to predict the effect of missense changes on protein structure and function (SIFT, PolyPhen-2, Align-GVGD) all suggest that this variant is likely to be tolerated. In summary, the available evidence is currently insufficient to determine the role of this variant in disease. Therefore, it has been classified as a Variant of Uncertain Significance.